The following is an entry in ClinVar:

ClinVar aggregate classification (germline): Uncertain significance (1 of 4 stars; one submission).

gnomAD v4.1: 19 of 1,613,476 alleles (0.0012%); highest among the groups gnomAD compares: East Asian, 0.0022%; no homozygotes.

Submission:

Ambry Genetics
Classification: Uncertain significance. Last evaluated: 2024-12-08. Review status: criteria provided, single submitter. Criteria: Ambry Variant Classification Scheme 2023. Collection method: clinical testing. Allele origin: germline.
Comment: The p.P928L variant (also known as c.2783C>T), located in coding exon 11 of the WNK2 gene, results from a C to T substitution at nucleotide position 2783. The proline at codon 928 is replaced by leucine, an amino acid with similar properties. This amino acid position is conserved. In addition, the in silico prediction for this alteration is inconclusive. Based on the available evidence, the clinical significance of this variant remains unclear.

NM_006648.4(WNK2):c.2783C>T (p.Pro928Leu)

Gene: WNK2 (WNK lysine deficient protein kinase 2; plus strand). Cytogenetic location: 9q22.31.
Variant type: single nucleotide variant.
Coding change: c.2783C>T on transcript NM_006648.4 (MANE Select); coding-DNA position 2783, C replaced by T.
Protein change: p.Pro928Leu; replaces proline 928 with leucine.
Molecular consequence: missense variant.
Genome position (GRCh38, 1-based): chr9:93,259,331, C>T. VCF-style: chr9-93259331-C-T. GRCh37 (hg19) VCF-style: chr9-96021613-C-T.
Other names: c.2783C>T, p.Pro928Leu (NM_001282394.3); short protein forms P928L.
Identifiers: ClinVar variation 3470663 (VCV003470663.1).